The following is an entry in ClinVar:

ClinVar aggregate classification (germline): Uncertain significance (1 of 4 stars; one submission).

Conditions:
Cardiovascular phenotype. Identifiers: MedGen CN230736.

Submission:

Ambry Genetics
Classification: Uncertain significance for Cardiovascular phenotype. Last evaluated: 2025-08-12. Review status: criteria provided, single submitter. Criteria: Ambry Variant Classification Scheme 2023. Collection method: clinical testing. Allele origin: germline.
Comment: The p.V810G variant (also known as c.2429T>G), located in coding exon 16 of the FLNC gene, results from a T to G substitution at nucleotide position 2429. The valine at codon 810 is replaced by glycine, an amino acid with dissimilar properties. This amino acid position is conserved. In addition, this alteration is predicted to be deleterious by in silico analysis. Based on the available evidence, the clinical significance of this variant remains unclear.

NM_001458.5(FLNC):c.2429T>G (p.Val810Gly)

Gene: FLNC (filamin C; plus strand). Cytogenetic location: 7q32.1.
Variant type: single nucleotide variant.
Coding change: c.2429T>G on transcript NM_001458.5 (MANE Select); coding-DNA position 2429, T replaced by G.
Protein change: p.Val810Gly; replaces valine 810 with glycine.
Molecular consequence: missense variant.
Genome position (GRCh38, 1-based): chr7:128,842,833, T>G. VCF-style: chr7-128842833-T-G. GRCh37 (hg19) VCF-style: chr7-128482887-T-G.
Other names: c.2429T>G, p.Val810Gly (NM_001127487.2); short protein forms V810G.
Identifiers: ClinVar variation 4258287 (VCV004258287.1).